The following is an entry in ClinVar:

ClinVar aggregate classification (germline): Likely pathogenic (1 of 4 stars; one submission).

Submission:

GeneDx
Classification: Likely pathogenic. Last evaluated: 2016-06-10. Review status: criteria provided, single submitter. Criteria: GeneDx Variant Classification (06012015). Collection method: clinical testing. Allele origin: germline. Affected: yes.
Comment: The P1880R variant in the RP1 gene has not been reported previously as a pathogenic variant, nor as a benign variant, to our knowledge. The P1880R variant was not observed in approximately 6500 individuals of European and African American ancestry in the NHLBI Exome Sequencing Project, indicating it is not a common benign variant in these populations. The P1880R variant is a non-conservative amino acid substitution, which is likely to impact secondary protein structure as these residues differ in polarity, charge, size and/or other properties. In addition, this substitution occurs at a position that is conserved across species, and in silico analysis predicts this variant is probably damaging to the protein structure/function. The P1880R variant is a strong candidate for a pathogenic variant, however the possibility it may be a rare benign variant cannot be excluded.

NM_006269.2(RP1):c.5639C>G (p.Pro1880Arg)

Genes: RP1 (RP1 axonemal microtubule associated; plus strand), LOC126860392 (CDK7 strongly-dependent group 2 enhancer GRCh37_chr8:55541319-55542518; plus strand). Cytogenetic location: 8q12.1.
Variant type: single nucleotide variant.
Coding change: c.5639C>G on transcript NM_006269.2 (MANE Select); coding-DNA position 5639, C replaced by G.
Protein change: p.Pro1880Arg; replaces proline 1880 with arginine.
Molecular consequence: missense variant.
Genome position (GRCh38, 1-based): chr8:54,629,521, C>G. VCF-style: chr8-54629521-C-G. GRCh37 (hg19) VCF-style: chr8-55542081-C-G.
Other names: short protein forms P1880R.
Identifiers: ClinVar variation 372953 (VCV000372953.1), dbSNP rs1057518097, ClinGen allele CA16042643.